The following is an entry in ClinVar:

ClinVar aggregate classification (germline): Likely benign. Review status: criteria provided, multiple submitters, no conflicts (2 of 4 stars). 3 submissions from 3 submitters: Likely benign (3). Last evaluated 2025-05-22.

gnomAD v4.1: 27 of 1,387,808 alleles (0.0019%); highest among the groups gnomAD compares: Middle Eastern, 0.052%; no homozygotes.

Submissions (3):

Labcorp Genetics (formerly Invitae), Labcorp
Classification: Likely benign. Last evaluated: 2025-05-22. Review status: criteria provided, single submitter. Criteria: Invitae Variant Classification Sherloc (09022015). Collection method: clinical testing. Allele origin: germline.

Blueprint Genetics
Classification: Likely benign. Last evaluated: 2024-10-23. Review status: criteria provided, single submitter. Criteria: ACMG Guidelines, 2015. Collection method: clinical testing. Allele origin: germline.

CeGaT Center for Human Genetics Tuebingen
Classification: Likely benign. Last evaluated: 2022-04-01. Review status: criteria provided, single submitter. Criteria: CeGaT Center For Human Genetics Tuebingen Variant Classification Criteria Version 2. Collection method: clinical testing. Allele origin: germline. Affected: yes. Observed: 1 variant allele.
Comment: COLGALT1: BP4, BP7

NM_024656.4(COLGALT1):c.168C>T (p.Ile56=)

Gene: COLGALT1 (collagen beta(1-O)galactosyltransferase 1; plus strand). Cytogenetic location: 19p13.11.
Variant type: single nucleotide variant.
Coding change: c.168C>T on transcript NM_024656.4 (MANE Select); coding-DNA position 168, C replaced by T.
Protein change: p.Ile56=; no amino-acid change (isoleucine 56 retained).
Molecular consequence: synonymous variant.
Genome position (GRCh38, 1-based): chr19:17,555,881, C>T. VCF-style: chr19-17555881-C-T. GRCh37 (hg19) VCF-style: chr19-17666690-C-T.
Identifiers: ClinVar variation 2649545 (VCV002649545.26), dbSNP rs998480369, ClinGen allele CA306084690.